The following is an entry in ClinVar:

ClinVar aggregate classification (germline): Uncertain significance. Review status: criteria provided, multiple submitters, no conflicts (2 of 4 stars). 2 submissions from 2 submitters: Uncertain significance (2). Last evaluated 2026-05-17.

Conditions:
PCGF2-related disorder. Also called: PCGF2-related condition.

Allele frequency attached by ClinVar (database versions not stated): TOPMed below 0.00001; gnomAD exomes 0.00003.
gnomAD v4.1: 38 of 1,613,120 alleles (0.0024%); highest among the groups gnomAD compares: Non-Finnish European, 0.0031%; no homozygotes.

Submissions (3):

PreventionGenetics, part of Exact Sciences
Classification: Uncertain significance for PCGF2-related condition. Last evaluated: 2026-05-17. Review status: criteria provided, single submitter. Criteria: ACMG Guidelines, 2015. Collection method: clinical testing. Allele origin: germline.
Comment: The PCGF2 c.323A>G variant is predicted to result in the amino acid substitution p.Asn108Ser. To our knowledge, this variant has not been reported in the literature or in a large population database (gnomAD), indicating this variant is rare. At this time, the clinical significance of this variant is uncertain due to the absence of conclusive functional and genetic evidence.

Labcorp Genetics (formerly Invitae), Labcorp
Classification: Uncertain significance. Last evaluated: 2021-06-12. Review status: criteria provided, single submitter. Criteria: Invitae Variant Classification Sherloc (09022015). Collection method: clinical testing. Allele origin: germline.
Comment: In summary, the available evidence is currently insufficient to determine the role of this variant in disease. Therefore, it has been classified as a Variant of Uncertain Significance. Algorithms developed to predict the effect of sequence changes on RNA splicing suggest that this variant may create or strengthen a splice site, but this prediction has not been confirmed by published transcriptional studies. Algorithms developed to predict the effect of missense changes on protein structure and function (SIFT, PolyPhen-2, Align-GVGD) all suggest that this variant is likely to be tolerated, but these predictions have not been confirmed by published functional studies and their clinical significance is uncertain. This variant has not been reported in the literature in individuals with PCGF2-related conditions. This variant is not present in population databases (ExAC no frequency). This sequence change replaces asparagine with serine at codon 108 of the PCGF2 protein (p.Asn108Ser). The asparagine residue is moderately conserved and there is a small physicochemical difference between asparagine and serine.

Dr. Peter K. Rogan Lab, Western University
No classification provided (evidence only). Condition: Hepatocellular carcinoma. Review status: no classification provided. Collection method: in vitro. Allele origin: not applicable. Functional consequence: retained intron. Not counted in ClinVar's aggregate classification.

NM_007144.3(PCGF2):c.323A>G (p.Asn108Ser)

Gene: PCGF2 (polycomb group ring finger 2; minus strand). Cytogenetic location: 17q12.
Variant type: single nucleotide variant.
Coding change: c.323A>G on transcript NM_007144.3 (MANE Select); coding-DNA position 323, A replaced by G.
Protein change: p.Asn108Ser; replaces asparagine 108 with serine.
Molecular consequence: missense variant.
Genome position (GRCh38, 1-based): chr17:38,738,855, T>C on the plus strand (A>G on the coding strand, the complement: PCGF2 is on the minus strand). VCF-style: chr17-38738855-T-C. GRCh37 (hg19) VCF-style: chr17-36895108-T-C.
Other names: c.323A>G (NM_007144.2); c.323A>G, p.Asn108Ser (NM_001369614.1, NM_001369615.1); short protein forms N108S.
Identifiers: ClinVar variation 1479635 (VCV001479635.10), dbSNP rs1906972407, ClinGen allele CA398822108.